The following is an entry in ClinVar:

ClinVar aggregate classification (germline): Likely benign (1 of 4 stars; one submission).

Allele frequency attached by ClinVar (database versions not stated): gnomAD exomes 0.00005; gnomAD 0.00006; TOPMed 0.00011.
gnomAD v4.1: 40 of 773,722 alleles (0.0052%); highest among the groups gnomAD compares: African/African-American, 0.028%; no homozygotes.

Submission:

GeneDx
Classification: Likely benign. Last evaluated: 2017-10-20. Review status: criteria provided, single submitter. Criteria: GeneDx Variant Classification (06012015). Collection method: clinical testing. Allele origin: germline. Affected: yes.
Comment: This variant is considered likely benign or benign based on one or more of the following criteria: it is a conservative change, it occurs at a poorly conserved position in the protein, it is predicted to be benign by multiple in silico algorithms, and/or has population frequency not consistent with disease.

NM_000742.4(CHRNA2):c.-136-3C>T

Gene: CHRNA2 (cholinergic receptor nicotinic alpha 2 subunit; minus strand). Cytogenetic location: 8p21.2.
Variant type: single nucleotide variant.
Coding change: c.-136-3C>T on transcript NM_000742.4 (MANE Select); 3 bases into the intron before 136 bases upstream of the start codon, C replaced by T.
Molecular consequence: intron variant.
Genome position (GRCh38, 1-based): chr8:27,471,197, G>A on the plus strand (C>T on the coding strand, the complement: CHRNA2 is on the minus strand). VCF-style: chr8-27471197-G-A. GRCh37 (hg19) VCF-style: chr8-27328714-G-A.
Other names: c.-563-3C>T (NM_001347705.2); c.-136-3C>T (NM_001282455.2); c.-597-3C>T (NM_001347708.2); c.-608-3C>T (NM_001347706.2); c.-549-3C>T (NM_001347707.2).
Identifiers: ClinVar variation 449193 (VCV000449193.1), dbSNP rs765846499, ClinGen allele CA174249159.